The following is an entry in ClinVar:

NM_000548.5(TSC2):c.648+7G>C

Gene: TSC2 (TSC complex subunit 2; plus strand). Cytogenetic location: 16p13.3.
Variant type: single nucleotide variant.
Coding change: c.648+7G>C on transcript NM_000548.5 (MANE Select); 7 bases into the intron after coding-DNA position 648, G replaced by C.
Molecular consequence: intron variant.
Genome position (GRCh38, 1-based): chr16:2,056,251, G>C. VCF-style: chr16-2056251-G-C. GRCh37 (hg19) VCF-style: chr16-2106252-G-C.
Other names: c.648+7G>C (NM_001114382.3, NM_021055.3, NM_001370405.1 and 3 more transcripts); c.537+7G>C (NM_001318827.2); c.48+7G>C (NM_001318831.2); c.501+7G>C (NM_001318829.2); c.681+7G>C (NM_001318832.2).
Identifiers: ClinVar variation 1110433 (VCV001110433.10), dbSNP rs1216419213, ClinGen allele CA620373129.

ClinVar aggregate classification (germline): Likely benign. Review status: criteria provided, multiple submitters, no conflicts (2 of 4 stars). 2 submissions from 2 submitters: Likely benign (2). Last evaluated 2025-05-08.

Conditions:
Tuberous sclerosis 2 (TSC2). Identifiers: Orphanet 805, MedGen C1860707, MONDO:0013199, OMIM 613254.

Allele frequency attached by ClinVar (database versions not stated): gnomAD exomes below 0.00001; TOPMed 0.00001.
gnomAD v4.1: 1 of 1,614,006 alleles (0.000062%); highest among the groups gnomAD compares: African/African-American, 0.0013%; no homozygotes.

Submissions (2):

Myriad Genetics, Inc.
Classification: Likely benign for Tuberous sclerosis 2. Last evaluated: 2025-05-08. Review status: criteria provided, single submitter. Criteria: Myriad Autosomal Dominant, Autosomal Recessive and X-Linked Classification Criteria (2023). Collection method: clinical testing. Allele origin: unknown.
Comment: This variant is considered likely benign. This variant is intronic and is not expected to impact mRNA splicing.

Labcorp Genetics (formerly Invitae), Labcorp
Classification: Likely benign for Tuberous sclerosis 2. Last evaluated: 2024-08-28. Review status: criteria provided, single submitter. Criteria: Invitae Variant Classification Sherloc (09022015). Collection method: clinical testing. Allele origin: germline.